The following is an entry in ClinVar:

NM_021009.7(UBC):c.498C>T (p.Thr166=)

Gene: UBC (ubiquitin C; minus strand). Cytogenetic location: 12q24.31.
Variant type: single nucleotide variant.
Coding change: c.498C>T on transcript NM_021009.7 (MANE Select); coding-DNA position 498, C replaced by T.
Protein change: p.Thr166=; no amino-acid change (threonine 166 retained).
Molecular consequence: synonymous variant.
Genome position (GRCh38, 1-based): chr12:124,913,274, G>A on the plus strand (C>T on the coding strand, the complement: UBC is on the minus strand). VCF-style: chr12-124913274-G-A. GRCh37 (hg19) VCF-style: chr12-125397820-G-A.
Identifiers: ClinVar variation 4872217 (VCV004872217.2).

ClinVar aggregate classification (germline): Likely benign (1 of 4 stars; one submission).

Submission:

CeGaT Center for Human Genetics Tuebingen
Classification: Likely benign. Last evaluated: 2026-05-01. Review status: criteria provided, single submitter. Criteria: CeGaT Center For Human Genetics Tuebingen Variant Classification Criteria Version 2. Collection method: clinical testing. Allele origin: germline. Affected: yes. Observed: 1 variant allele.
Comment: UBC: BP4, BP7